The following is an entry in ClinVar:

ClinVar aggregate classification (germline): Uncertain significance (1 of 4 stars; one submission).

Conditions:
Temtamy preaxial brachydactyly syndrome (TPBS). Identifiers: Orphanet 363417, MedGen C1854466, MONDO:0011533, OMIM 605282.

gnomAD v4.1: 146 of 1,614,230 alleles (0.009%); highest among the groups gnomAD compares: Middle Eastern, 0.016%; no homozygotes.

Submission:

Labcorp Genetics (formerly Invitae), Labcorp
Classification: Uncertain significance for Temtamy preaxial brachydactyly syndrome. Last evaluated: 2024-05-06. Review status: criteria provided, single submitter. Criteria: Invitae Variant Classification Sherloc (09022015). Collection method: clinical testing. Allele origin: germline.
Comment: This sequence change replaces methionine, which is neutral and non-polar, with valine, which is neutral and non-polar, at codon 319 of the CHSY1 protein (p.Met319Val). This variant is present in population databases (rs375434430, gnomAD 0.2%). This variant has not been reported in the literature in individuals affected with CHSY1-related conditions. Advanced modeling of protein sequence and biophysical properties (such as structural, functional, and spatial information, amino acid conservation, physicochemical variation, residue mobility, and thermodynamic stability) performed at Invitae indicates that this missense variant is not expected to disrupt CHSY1 protein function with a negative predictive value of 80%. In summary, the available evidence is currently insufficient to determine the role of this variant in disease. Therefore, it has been classified as a Variant of Uncertain Significance.

NM_014918.5(CHSY1):c.955A>G (p.Met319Val)

Gene: CHSY1 (chondroitin sulfate synthase 1; minus strand). Cytogenetic location: 15q26.3.
Variant type: single nucleotide variant.
Coding change: c.955A>G on transcript NM_014918.5 (MANE Select); coding-DNA position 955, A replaced by G.
Protein change: p.Met319Val; replaces methionine 319 with valine.
Molecular consequence: missense variant.
Genome position (GRCh38, 1-based): chr15:101,178,842, T>C on the plus strand (A>G on the coding strand, the complement: CHSY1 is on the minus strand). VCF-style: chr15-101178842-T-C. GRCh37 (hg19) VCF-style: chr15-101719047-T-C.
Other names: short protein forms M319V.
Identifiers: ClinVar variation 3667481 (VCV003667481.1).